The following is an entry in ClinVar:

NM_175914.5(HNF4A):c.195C>A (p.Ser65Arg)

Gene: HNF4A (hepatocyte nuclear factor 4 alpha; plus strand). Cytogenetic location: 20q13.12.
Variant type: single nucleotide variant.
Coding change: c.195C>A on transcript NM_175914.5 (MANE Select); coding-DNA position 195, C replaced by A.
Protein change: p.Ser65Arg; replaces serine 65 with arginine.
Molecular consequence: missense variant.
Genome position (GRCh38, 1-based): chr20:44,406,203, C>A. VCF-style: chr20-44406203-C-A. GRCh37 (hg19) VCF-style: chr20-43034843-C-A.
Other names: NM_175914.5(HNF4A):c.195C>A; p.Ser65Arg; c.261C>A, p.Ser87Arg (NM_000457.6, NM_178849.3, NM_178850.3); c.195C>A, p.Ser65Arg (NM_001030003.3, NM_001030004.3); c.240C>A, p.Ser80Arg (NM_001258355.2); c.186C>A, p.Ser62Arg (NM_001287182.2, NM_001287183.2, NM_001287184.2); short protein forms S62R, S65R, S87R, S80R.
Identifiers: ClinVar variation 546494 (VCV000546494.5), dbSNP rs1008906897, ClinGen allele CA409103963.

ClinVar aggregate classification (germline): Uncertain significance. Review status: reviewed by expert panel (3 of 4 stars). 2 submissions from 2 submitters: Uncertain significance (1). 1 of the submissions does not count toward it. Last evaluated 2024-04-05.

Conditions:
Monogenic diabetes. Identifiers: Orphanet 183625, MedGen C3888631, MONDO:0015967.

Submissions (2):

ClinGen Monogenic Diabetes Variant Curation Expert Panel
Classification: Uncertain significance for Monogenic diabetes. Last evaluated: 2024-04-05. Review status: reviewed by expert panel. Criteria: ClinGen Diabetes ACMG Specifications HNF4A V2.0.0. Collection method: curation. Allele origin: germline. Inheritance: Autosomal dominant inheritance.
Comment: The c.195C>A variant in the hepatocyte nuclear factor-4 alpha gene, HNF4A, causes an amino acid change of serine to arginine at codon 65 (p.(Ser65Arg)) of NM_175914.5. This variant is predicted to be deleterious by computational evidence, with a REVEL score of 0.847, which is greater than the MDEP VCEP threshold of 0.70 (PP3). It is also located within the DNA binding domain (codons 37-113 of HNF4A, which is defined as critical for the protein’s function by the ClinGen MDEP (PM1_Supporting). Another missense variant, c.194G>A p.(Ser65Asn), has been classified as a VUS by the ClinGen MDEP; therefore, PM5 will not be applied. In summary, c.195C>A meets the criteria to be classified as a variant of uncertain significance for monogenic diabetes. ACMG/AMP criteria applied, as specified by the ClinGen MDEP (specification version 2.0.0, approved 10/11/2023): PP3, PP4, PM1_Supporting, PM2_Supporting.

GeneDx
Classification: Uncertain significance. Last evaluated: 2022-02-11. Review status: criteria provided, single submitter. Criteria: GeneDx Variant Classification Process June 2021. Collection method: clinical testing. Allele origin: germline. Affected: yes. Not counted in ClinVar's aggregate classification.
Comment: Not observed at significant frequency in large population cohorts (gnomAD); In silico analysis supports that this missense variant has a deleterious effect on protein structure/function; Has not been previously published as pathogenic or benign to our knowledge; This variant is associated with the following publications: (PMID: 18829458)